The following is an entry in ClinVar:

NM_000204.5(CFI):c.944G>A (p.Arg315Lys)

Gene: CFI (complement factor I; minus strand). Cytogenetic location: 4q25.
Variant type: single nucleotide variant.
Coding change: c.944G>A on transcript NM_000204.5 (MANE Select); coding-DNA position 944, G replaced by A.
Protein change: p.Arg315Lys; replaces arginine 315 with lysine.
Molecular consequence: missense variant. On other transcripts: non-coding transcript variant (3).
Genome position (GRCh38, 1-based): chr4:109,749,599, C>T on the plus strand (G>A on the coding strand, the complement: CFI is on the minus strand). VCF-style: chr4-109749599-C-T. GRCh37 (hg19) VCF-style: chr4-110670755-C-T.
Other names: c.968G>A, p.Arg323Lys (NM_001318057.2, NM_001375278.1, NM_001440988.1); c.923G>A, p.Arg308Lys (NM_001331035.2, NM_001375280.1, NM_001375282.1 and 1 more transcripts); c.944G>A, p.Arg315Lys (NM_001375279.1, NM_001375281.1, NM_001440989.1); c.887G>A, p.Arg296Lys (NM_001375283.1); c.335G>A, p.Arg112Lys (NM_001375284.1); c.965G>A, p.Arg322Lys (NM_001440985.1, NM_001440986.1); short protein forms R112K, R296K, R308K, R315K, R322K, R323K.
Identifiers: ClinVar variation 4280533 (VCV004280533.1).

ClinVar aggregate classification (germline): Uncertain significance (1 of 4 stars; one submission).

Conditions:
Atypical hemolytic-uremic syndrome. Identifiers: Orphanet 2134, MedGen C2931788, MONDO:0016244.

Submission:

Genomenon, Inc
Classification: Uncertain significance for Atypical hemolytic-uremic syndrome. Last evaluated: 2025-09-26. Review status: criteria provided, single submitter. Criteria: Genomenon Sequence Variant Interpretation Standards - Updated. Collection method: curation. Allele origin: germline. Affected: yes.
Comment: CFI p.Arg315Lys (c.944G>A) is a missense variant that changes the amino acid at residue 315 from Arginine to Lysine. This variant has been observed in at least one proband affected with atypical hemolytic-uremic syndrome (PMID:29226095). It is absent or not present at a significant frequency in gnomAD. In conclusion, we classify CFI p.Arg315Lys (c.944G>A) as a variant of unknown significance.

Literature cited by the submitters: PubMed 29226095.